The following is an entry in ClinVar:

NM_006307.5(SRPX):c.834C>T (p.Asp278=)

Gene: SRPX (sushi repeat containing protein X-linked; minus strand). Cytogenetic location: Xp11.4.
Variant type: single nucleotide variant.
Coding change: c.834C>T on transcript NM_006307.5 (MANE Select); coding-DNA position 834, C replaced by T.
Protein change: p.Asp278=; no amino-acid change (aspartic acid 278 retained).
Molecular consequence: synonymous variant.
Genome position (GRCh38, 1-based): chrX:38,160,138, G>A on the plus strand (C>T on the coding strand, the complement: SRPX is on the minus strand). VCF-style: chrX-38160138-G-A. GRCh37 (hg19) VCF-style: chrX-38019391-G-A.
Other names: c.774C>T, p.Asp258= (NM_001170750.2); c.657C>T, p.Asp219= (NM_001170751.2); c.834C>T, p.Asp278= (NM_001170752.2).
Identifiers: ClinVar variation 2660290 (VCV002660290.24), dbSNP rs1190585618, ClinGen allele CA515645855.

ClinVar aggregate classification (germline): Likely benign (1 of 4 stars; one submission).

Allele frequency attached by ClinVar (database versions not stated): gnomAD exomes below 0.00001; gnomAD 0.00001; TOPMed 0.00001.
gnomAD v4.1: 4 of 1,210,350 alleles (0.00033%); highest among the groups gnomAD compares: African/African-American, 0.0017%; no homozygotes.

Submission:

CeGaT Center for Human Genetics Tuebingen
Classification: Likely benign. Last evaluated: 2022-05-01. Review status: criteria provided, single submitter. Criteria: CeGaT Center For Human Genetics Tuebingen Variant Classification Criteria Version 2. Collection method: clinical testing. Allele origin: germline. Affected: yes. Observed: 1 variant allele.
Comment: SRPX: BP4, BP7